The following is an entry in ClinVar:

NM_001267550.2(TTN):c.84370_84373del (p.Glu28124fs)

Genes: TTN (titin; minus strand), TTN-AS1 (TTN antisense RNA 1; plus strand). Cytogenetic location: 2q31.2.
Variant type: Deletion.
Coding change: c.84370_84373del on transcript NM_001267550.2 (MANE Select); coding-DNA positions 84370 to 84373, 4 bases deleted (GAGT; older notation c.84370_84373delGAGT).
Protein change: p.Glu28124fs; shifts the reading frame from glutamic acid 28124.
Molecular consequence: frameshift variant.
Genome position (GRCh38, 1-based): chr2:178,561,759-178,561,762, ACTC deleted on the plus strand (GAGT on the coding strand, the reverse complement: TTN is on the minus strand); deleting any 4 consecutive bases within chr2:178,561,759-178,561,765 gives the same sequence; the c. name uses the placement nearest the transcript's 3' end. VCF-style (leftmost placement, unchanged base first): chr2-178561758-TACTC-T. GRCh37 (hg19) VCF-style: chr2-179426485-TACTC-T.
Other names: c.79447_79450del, p.Glu26483fs (NM_001256850.1); c.57175_57178del, p.Glu19059fs (NM_003319.4); c.76666_76669del, p.Glu25556fs (NM_133378.4); c.57550_57553del, p.Glu19184fs (NM_133432.3); c.57751_57754del, p.Glu19251fs (NM_133437.4); c.57175_57178delGAGT (NM_003319.4); short protein forms E26483fs, E28124fs, E19184fs, E19251fs, E19059fs, E25556fs.
Identifiers: ClinVar variation 863327 (VCV000863327.10), dbSNP rs1559301344, ClinGen allele CA538435309.

ClinVar aggregate classification (germline): Likely pathogenic. Review status: criteria provided, multiple submitters, no conflicts (2 of 4 stars). 3 submissions from 3 submitters: Likely pathogenic (2). 1 of the submissions does not count toward it. Last evaluated 2026-06-02.

Conditions:
Autosomal recessive limb-girdle muscular dystrophy type 2J (LGMDR10). Also called: MUSCULAR DYSTROPHY, LIMB-GIRDLE, AUTOSOMAL RECESSIVE 10; Limb-girdle muscular dystrophy, type 2J. Identifiers: Orphanet 140922, MedGen C1837342, MONDO:0012127, OMIM 608807.
Dilated cardiomyopathy 1G (CMD1G). Identifiers: Orphanet 154, MedGen C1858763, MONDO:0011400, OMIM 604145.
Cardiovascular phenotype. Identifiers: MedGen CN230736.

Submissions (3):

Ambry Genetics
Classification: Likely pathogenic for Cardiovascular phenotype. Last evaluated: 2026-06-02. Review status: criteria provided, single submitter. Criteria: Ambry Variant Classification Scheme 2023. Collection method: clinical testing. Allele origin: germline.
Comment: The c.57175_57178delGAGT variant, located in coding exon 153 of the TTN gene, results from a deletion of 4 nucleotides at nucleotide positions 57175 to 57178, causing a translational frameshift with a predicted alternate stop codon (p.E19059Ifs*49). This exon is located in the A-band region of the N2-B isoform of the titin protein and is constitutively expressed in TTN transcripts (percent spliced in or PSI 100%). This variant is expected to result in loss of function by premature protein truncation or nonsense-mediated mRNA decay. While truncating variants in TTN are present in 1-3% of the general population, truncating variants in the A-band are the most common cause of dilated cardiomyopathy (Herman DS et al. N. Engl. J. Med., 2012 Feb;366:619-28; Roberts AM et al. Sci Transl Med, 2015 Jan;7:270ra6). TTN truncating variants encoded in constitutive exons (PSI >90%) have been found to be significantly associated with DCM regardless of their position in titin (Schafer S et al. Nat. Genet., 2017 01;49:46-53; Akhtar MM et al. Circ Heart Fail, 2020 Oct;13:e006832; Massier M et al. Clin Genet, 2025 Jan). This variant is considered to be rare based on population cohorts in the Genome Aggregation Database (gnomAD). Based on the majority of available evidence to date, this variant is likely to be pathogenic.

Labcorp Genetics (formerly Invitae), Labcorp
Classification: Likely pathogenic for Dilated cardiomyopathy 1G; Autosomal recessive limb-girdle muscular dystrophy type 2J. Last evaluated: 2025-10-08. Review status: criteria provided, single submitter. Criteria: Invitae Variant Classification Sherloc (09022015). Collection method: clinical testing. Allele origin: germline.
Comment: This sequence change creates a premature translational stop signal (p.Glu28124Ilefs*49) in the TTN gene. While this is not anticipated to result in nonsense mediated decay, it is expected to create a truncated TTN protein. This variant is present in population databases (no rsID available, gnomAD 0.003%). This premature translational stop signal has been observed in individual(s) with dilated cardiomyopathy (internal data). ClinVar contains an entry for this variant (Variation ID: 863327). This variant is located in the A band of TTN (PMID: 25589632). Truncating variants in this region are significantly overrepresented in patients affected with dilated cardiomyopathy (PMID: 25589632). Truncating variants in this region have also been reported in individuals affected with autosomal recessive centronuclear myopathy (PMID: 23975875). In summary, the currently available evidence indicates that the variant is pathogenic, but additional data are needed to prove that conclusively. Therefore, this variant has been classified as Likely Pathogenic.

Cardiogenetics and Myogenetics Molecular and Cellular Functional Unit, Aphp Sorbonne University-Hopital Pitie Salpetriere
Classification: Likely pathogenic for Dilated cardiomyopathy 1G. Last evaluated: 2024-01-06. Review status: no assertion criteria provided. Collection method: clinical testing. Allele origin: germline. Affected: yes. Not counted in ClinVar's aggregate classification.

Literature cited by the submitters: PubMed 25589632 (cited by Labcorp Genetics (formerly Invitae), Labcorp); PubMed 23975875 (cited by Labcorp Genetics (formerly Invitae), Labcorp).